The following is an entry in ClinVar:

ClinVar aggregate classification (germline): Uncertain significance. Review status: criteria provided, multiple submitters, no conflicts (2 of 4 stars). 3 submissions from 3 submitters: Uncertain significance (3). Last evaluated 2025-10-29.

Allele frequency attached by ClinVar (database versions not stated): ExAC 0.00002; gnomAD exomes 0.00002; gnomAD 0.00003; TOPMed 0.00003.
gnomAD v4.1: 31 of 1,610,222 alleles (0.0019%); highest among the groups gnomAD compares: African/African-American, 0.004%; no homozygotes.

Submissions (3):

Ambry Genetics
Classification: Uncertain significance. Last evaluated: 2025-10-29. Review status: criteria provided, single submitter. Criteria: Ambry Variant Classification Scheme 2023. Collection method: clinical testing. Allele origin: germline.

Athena Diagnostics
Classification: Uncertain significance. Last evaluated: 2025-05-02. Review status: criteria provided, single submitter. Criteria: Athena Diagnostics Criteria. Collection method: clinical testing. Allele origin: unknown.
Comment: Available data are insufficient to determine the clinical significance of the variant at this time. The frequency of this variant in the general population is uninformative in assessment of its pathogenicity. Polyphen and MutationTaster predict this amino acid change may be damaging to the protein.

Labcorp Genetics (formerly Invitae), Labcorp
Classification: Uncertain significance. Last evaluated: 2023-04-20. Review status: criteria provided, single submitter. Criteria: Invitae Variant Classification Sherloc (09022015). Collection method: clinical testing. Allele origin: germline.
Comment: An algorithm developed to predict the effect of missense changes on protein structure and function (PolyPhen-2) suggests that this variant is likely to be disruptive. In summary, the available evidence is currently insufficient to determine the role of this variant in disease. Therefore, it has been classified as a Variant of Uncertain Significance. ClinVar contains an entry for this variant (Variation ID: 805001). This variant has not been reported in the literature in individuals affected with MCM2-related conditions. This variant is present in population databases (rs773391587, gnomAD 0.003%). This sequence change replaces arginine, which is basic and polar, with cysteine, which is neutral and slightly polar, at codon 870 of the MCM2 protein (p.Arg870Cys).

NM_004526.4(MCM2):c.2608C>T (p.Arg870Cys)

Genes: MCM2 (minichromosome maintenance complex component 2; plus strand), LOC107986126 (uncharacterized LOC107986126; minus strand). Cytogenetic location: 3q21.3.
Variant type: single nucleotide variant.
Coding change: c.2608C>T on transcript NM_004526.4 (MANE Select); coding-DNA position 2608, C replaced by T.
Protein change: p.Arg870Cys; replaces arginine 870 with cysteine.
Molecular consequence: missense variant. On other transcripts: non-coding transcript variant (1).
Genome position (GRCh38, 1-based): chr3:127,621,666, C>T. VCF-style: chr3-127621666-C-T. GRCh37 (hg19) VCF-style: chr3-127340509-C-T.
Other names: c.2608C>T (NM_004526.2); short protein forms R870C.
Identifiers: ClinVar variation 805001 (VCV000805001.6), dbSNP rs773391587, ClinGen allele CA2596326.